The following is an entry in ClinVar:

NM_000038.6(APC):c.6477T>A (p.Phe2159Leu)

Gene: APC (APC regulator of Wnt signaling pathway; plus strand). Cytogenetic location: 5q22.2.
Variant type: single nucleotide variant.
Coding change: c.6477T>A on transcript NM_000038.6 (MANE Select); coding-DNA position 6477, T replaced by A.
Protein change: p.Phe2159Leu; replaces phenylalanine 2159 with leucine.
Molecular consequence: missense variant.
Genome position (GRCh38, 1-based): chr5:112,842,071, T>A. VCF-style: chr5-112842071-T-A. GRCh37 (hg19) VCF-style: chr5-112177768-T-A.
Other names: c.6477T>A, p.Phe2159Leu (NM_001127510.3, NM_001354895.2); c.6423T>A, p.Phe2141Leu (NM_001127511.3); c.6531T>A, p.Phe2177Leu (NM_001354896.2); c.6507T>A, p.Phe2169Leu (NM_001354897.2); c.6402T>A, p.Phe2134Leu (NM_001354898.2); c.6393T>A, p.Phe2131Leu (NM_001354899.2); c.6354T>A, p.Phe2118Leu (NM_001354900.2); c.6300T>A, p.Phe2100Leu (NM_001354901.2); and 5 more; short protein forms F2159L, F2141L, F2033L, F2169L, F2058L, F2068L, F2100L, F2134L.
Identifiers: ClinVar variation 573492 (VCV000573492.17), dbSNP rs1057521225, ClinGen allele CA16035506.
Genomic context (GRCh38, chr5:112,842,071, plus strand): 5'-ATCAGGAATCTCTCTGGGATCACCATTTCATCTTACACCTGATCAAGAAGAAAAACCCTT[T>A]ACAAGTAATAAAGGCCCACGAATTCTAAAACCAGGGGAGAAAAGTACATTGGAAACTAAA-3'
Protein context (NP_000029.2, residues 2149-2169): HLTPDQEEKP[Phe2159Leu]TSNKGPRILK

ClinVar aggregate classification (germline): Uncertain significance. Review status: criteria provided, multiple submitters, no conflicts (2 of 4 stars). 4 submissions from 4 submitters: Uncertain significance (4). Last evaluated 2024-03-06.

Conditions:
Hereditary cancer-predisposing syndrome. Also called: Neoplastic Syndromes, Hereditary; Hereditary Cancer Syndrome; Tumor predisposition; Hereditary neoplastic syndrome. Identifiers: Orphanet 140162, MedGen C0027672, MeSH D009386, MONDO:0015356.
Familial adenomatous polyposis 1 (FAP1). Also called: POLYPOSIS, ADENOMATOUS INTESTINAL; FAMILIAL ADENOMATOUS POLYPOSIS 1, ATTENUATED. Identifiers: MedGen C2713442, MONDO:0021056, OMIM 175100. Disease mechanism: loss of function.
Classic or attenuated familial adenomatous polyposis. Identifiers: MedGen CN372698, MONDO:0021057.

gnomAD v4.1: 1 of 1,612,160 alleles (0.000062%); highest among the groups gnomAD compares: Non-Finnish European, 0.000085%; no homozygotes.

Submissions (4):

Color Diagnostics, LLC DBA Color Health
Classification: Uncertain significance for Hereditary cancer-predisposing syndrome. Last evaluated: 2024-03-06. Review status: criteria provided, single submitter. Criteria: ACMG Guidelines, 2015. Collection method: clinical testing. Allele origin: germline.
Comment: This missense variant replaces phenylalanine with leucine at codon 2159 of the APC protein. Computational prediction is inconclusive regarding the impact of this variant on protein structure and function (internally defined REVEL score threshold 0.5 < inconclusive < 0.7, PMID: 27666373). To our knowledge, functional studies have not been reported for this variant. This variant has not been reported in individuals affected with APC-related disorders in the literature. This variant has not been identified in the general population by the Genome Aggregation Database (gnomAD). The available evidence is insufficient to determine the role of this variant in disease conclusively. Therefore, this variant is classified as a Variant of Uncertain Significance.

All of Us Research Program, National Institutes of Health
Classification: Uncertain significance for Classic or attenuated familial adenomatous polyposis. Last evaluated: 2023-06-26. Review status: criteria provided, single submitter. Criteria: ACMG Guidelines, 2015. Collection method: clinical testing. Allele origin: germline. Inheritance: Autosomal dominant inheritance. Observed: 1 variant allele, 1 heterozygote.
Comment: This missense variant replaces phenylalanine with leucine at codon 2159 of the APC protein. Computational prediction is inconclusive regarding the impact of this variant on protein structure and function (internally defined REVEL score threshold 0.5 < inconclusive < 0.7, PMID: 27666373). To our knowledge, functional studies have not been reported for this variant. This variant has not been reported in individuals affected with APC-related disorders in the literature. This variant has not been identified in the general population by the Genome Aggregation Database (gnomAD). The available evidence is insufficient to determine the role of this variant in disease conclusively. Therefore, this variant is classified as a Variant of Uncertain Significance.

This study involves interpretation of variants in research participants for the purpose of population health screening. Participant phenotype was not available at the time of variant classification. Additional details can be found in publication PMID: 35346344, PMCID: PMC8962531

Ambry Genetics
Classification: Uncertain significance for Hereditary cancer-predisposing syndrome. Last evaluated: 2022-01-30. Review status: criteria provided, single submitter. Criteria: Ambry Variant Classification Scheme 2023. Collection method: clinical testing. Allele origin: germline.
Comment: The p.F2159L variant (also known as c.6477T>A), located in coding exon 15 of the APC gene, results from a T to A substitution at nucleotide position 6477. The phenylalanine at codon 2159 is replaced by leucine, an amino acid with highly similar properties. This amino acid position is conserved. In addition, in silico predictors for this gene do not accurately predict pathogenicity. Since supporting evidence is limited at this time, the clinical significance of this alteration remains unclear.

Labcorp Genetics (formerly Invitae), Labcorp
Classification: Uncertain significance for Familial adenomatous polyposis 1. Last evaluated: 2021-07-02. Review status: criteria provided, single submitter. Criteria: Invitae Variant Classification Sherloc (09022015). Collection method: clinical testing. Allele origin: germline.
Comment: This sequence change replaces phenylalanine with leucine at codon 2159 of the APC protein (p.Phe2159Leu). The phenylalanine residue is highly conserved and there is a small physicochemical difference between phenylalanine and leucine. In summary, the available evidence is currently insufficient to determine the role of this variant in disease. Therefore, it has been classified as a Variant of Uncertain Significance. Algorithms developed to predict the effect of missense changes on protein structure and function (SIFT, PolyPhen-2, Align-GVGD) all suggest that this variant is likely to be tolerated, but these predictions have not been confirmed by published functional studies and their clinical significance is uncertain. This variant has not been reported in the literature in individuals with APC-related disease. This variant is not present in population databases (ExAC no frequency).